The following is an entry in ClinVar:

NM_194248.3(OTOF):c.5569_5570delinsAA (p.Gly1857Asn)

Gene: OTOF (otoferlin; minus strand). Cytogenetic location: 2p23.3.
Variant type: Indel.
Coding change: c.5569_5570delinsAA on transcript NM_194248.3 (MANE Select); coding-DNA positions 5569 to 5570, GG replaced by AA.
Protein change: p.Gly1857Asn; replaces glycine 1857 with asparagine.
Molecular consequence: missense variant.
Genome position (GRCh38, 1-based): chr2:26,460,994-26,460,995, CC replaced by TT on the plus strand (GG replaced by AA on the coding strand, the reverse complement: OTOF is on the minus strand). VCF-style: chr2-26460994-CC-TT. GRCh37 (hg19) VCF-style: chr2-26683862-CC-TT.
Other names: c.5569_5570delinsAA, p.Gly1857Asn (NM_001287489.2); c.3268_3269delinsAA, p.Gly1090Asn (NM_004802.4, NM_194323.3); c.3499_3500delinsAA, p.Gly1167Asn (NM_194322.3); short protein forms G1090N, G1167N, G1857N.
Identifiers: ClinVar variation 3390572 (VCV003390572.1).
Genomic context (GRCh38, chr2:26,460,994, plus strand): 5'-AGGGGCACGTCCACCTCCCCGGTGGCCATCTCCATGGTGCACTGCTTGGCTGTCTTTGCG[CC>TT]CCGCGGGAACCGGTTCAGGTCCAGCTCGATGGCCCCTGTGGCAACCTCAGTGTCAGCTCA-3'
Protein context (NP_919224.1, residues 1847-1867): IELDLNRFPR[Gly1857Asn]AKTAKQCTME

ClinVar aggregate classification (germline): Uncertain significance (1 of 4 stars; one submission).

Submission:

GeneDx
Classification: Uncertain significance. Last evaluated: 2024-06-10. Review status: criteria provided, single submitter. Criteria: GeneDx Variant Classification Process June 2021. Collection method: clinical testing. Allele origin: germline. Affected: yes.
Comment: Not observed at significant frequency in large population cohorts (gnomAD); In silico analysis supports a deleterious effect on protein structure/function; Has not been previously published as pathogenic or benign to our knowledge